The following is an entry in ClinVar:

NM_000474.4(TWIST1):c.211del (p.Gln71fs)

Gene: TWIST1 (twist family bHLH transcription factor 1; minus strand). Cytogenetic location: 7p21.1.
Variant type: Deletion.
Coding change: c.211del on transcript NM_000474.4 (MANE Select); coding-DNA position 211, one base deleted (C; older notation c.211delC).
Protein change: p.Gln71fs; shifts the reading frame from glutamine 71.
Molecular consequence: frameshift variant. On other transcripts: non-coding transcript variant (1).
Genome position (GRCh38, 1-based): chr7:19,117,111, G deleted on the plus strand (C on the coding strand, the reverse complement: TWIST1 is on the minus strand); the first of 3 consecutive G bases (chr7:19,117,111-19,117,113); deleting any one gives the same sequence. VCF-style (leftmost placement, unchanged base first): chr7-19117110-TG-T. GRCh37 (hg19) VCF-style: chr7-19156733-TG-T.
Other names: short protein forms Q71fs.
Identifiers: ClinVar variation 2921667 (VCV002921667.3), dbSNP rs2486051149, ClinGen allele CA2681939640.

ClinVar aggregate classification (germline): Pathogenic (1 of 4 stars; one submission).

Conditions:
TWIST1-related craniosynostosis (CRS1). Also called: CRANIOSYNOSTOSIS 1. Identifiers: Orphanet 63440, MedGen C4551902, MONDO:0007399, OMIM 123100. Inheritance: Heterogenous inheritance pattern.
Saethre-Chotzen syndrome (SCS). Also called: ACROCEPHALY, SKULL ASYMMETRY, AND MILD SYNDACTYLY; ACS III; CHOTZEN SYNDROME. Identifiers: Orphanet 794, MedGen C0175699, MONDO:0007042, OMIM 101400.

Submission:

Labcorp Genetics (formerly Invitae), Labcorp
Classification: Pathogenic for TWIST1-related craniosynostosis; Saethre-Chotzen syndrome. Last evaluated: 2024-01-19. Review status: criteria provided, single submitter. Criteria: Invitae Variant Classification Sherloc (09022015). Collection method: clinical testing. Allele origin: germline.
Comment: This sequence change creates a premature translational stop signal (p.Gln71Argfs*54) in the TWIST1 gene. It is expected to result in an absent or disrupted protein product. Loss-of-function variants in TWIST1 are known to be pathogenic (PMID: 10749989). This variant is not present in population databases (gnomAD no frequency). This variant has not been reported in the literature in individuals affected with TWIST1-related conditions. For these reasons, this variant has been classified as Pathogenic.

Literature cited by the submitters: PubMed 10749989.